The following is an entry in ClinVar:

ClinVar aggregate classification (germline): Benign. Review status: criteria provided, multiple submitters, no conflicts (2 of 4 stars). 4 submissions from 4 submitters: Benign (4). Last evaluated 2021-09-05.

Conditions:
Pterin-4 alpha-carbinolamine dehydratase 1 deficiency. Also called: Hyperphenylalaninemia due to dehydratase deficiency; CADH DEFICIENCY; HYPERPHENYLALANINEMIA WITH PRIMAPTERINURIA; HYPERPHENYLALANINEMIA, TETRAHYDROBIOPTERIN-DEFICIENT, DUE TO PTERIN-4-ALPHA-CARBINOLAMINE DEHYDRATASE DEFICIENCY. Identifiers: Orphanet 1578, Orphanet 238583, MedGen C1849700, MONDO:0009908, OMIM 264070.

Allele frequency attached by ClinVar (database versions not stated): ESP Exome Variant Server 0.72831; TOPMed 0.74059; gnomAD 0.74730 and 0.75245; gnomAD exomes 0.75244 and 0.76831; 1000 Genomes Project 30x 0.76437; 1000 Genomes Project 0.76538; ExAC 0.77682.
gnomAD v4.1: 1,202,266 of 1,598,278 alleles (75%); highest among the groups gnomAD compares: South Asian, 85%; 453,425 homozygotes.

Submissions (4):

Genome-Nilou Lab
Classification: Benign for Pterin-4 alpha-carbinolamine dehydratase 1 deficiency. Last evaluated: 2021-09-05. Review status: criteria provided, single submitter. Criteria: ACMG Guidelines, 2015. Collection method: clinical testing. Allele origin: germline. Affected: no.

GeneDx
Classification: Benign. Last evaluated: 2018-07-27. Review status: criteria provided, single submitter. Criteria: GeneDx Variant Classification Process June 2021. Collection method: clinical testing. Allele origin: germline. Affected: yes.

Illumina Laboratory Services, Illumina
Classification: Benign for Pterin-4 alpha-carbinolamine dehydratase 1 deficiency. Last evaluated: 2018-01-12. Review status: criteria provided, single submitter. Criteria: ICSL Variant Classification Criteria 13 December 2019. Collection method: clinical testing. Allele origin: germline.
Comment: This variant was observed in the ICSL laboratory as part of a predisposition screen in an ostensibly healthy population. It had not been previously curated by ICSL or reported in the Human Gene Mutation Database (HGMD: prior to June 1st, 2018), and was therefore a candidate for classification through an automated scoring system. Utilizing variant allele frequency, disease prevalence and penetrance estimates, and inheritance mode, an automated score was calculated to assess if this variant is too frequent to cause the disease. Based on the score and internal cut-off values, a variant classified as benign is not then subjected to further curation. The score for this variant resulted in a classification of benign for this disease.

Breakthrough Genomics
Classification: Benign. Review status: criteria provided, single submitter. Criteria: ACMG Guidelines, 2015. Collection method: not provided. Allele origin: germline. Inheritance: Autosomal recessive inheritance. Affected: yes.

NM_000281.4(PCBD1):c.*36G>A

Gene: PCBD1 (pterin-4 alpha-carbinolamine dehydratase 1; minus strand). Cytogenetic location: 10q22.1.
Variant type: single nucleotide variant.
Coding change: c.*36G>A on transcript NM_000281.4 (MANE Select); 36 bases downstream of the stop codon, G replaced by A.
Molecular consequence: 3 prime UTR variant. On other transcripts: intron variant (1).
Genome position (GRCh38, 1-based): chr10:70,883,914, C>T on the plus strand (G>A on the coding strand, the complement: PCBD1 is on the minus strand). VCF-style: chr10-70883914-C-T. GRCh37 (hg19) VCF-style: chr10-72643671-C-T.
Other names: c.*36G>A (NM_001289797.2); c.216+1238G>A (NM_001323004.2).
Identifiers: ClinVar variation 300345 (VCV000300345.10), dbSNP rs9712, ClinGen allele CA5541560.